The following is an entry in ClinVar:

ClinVar aggregate classification (germline): Uncertain significance (1 of 4 stars; one submission).

Conditions:
Inborn genetic diseases. Identifiers: MedGen C0950123, MeSH D030342.

Submission:

Ambry Genetics
Classification: Uncertain significance for Inborn genetic diseases. Last evaluated: 2025-07-17. Review status: criteria provided, single submitter. Criteria: Ambry Variant Classification Scheme 2023. Collection method: clinical testing. Allele origin: germline.
Comment: The p.L146R variant (also known as c.437T>G), located in coding exon 1 of the CEBPA gene, results from a T to G substitution at nucleotide position 437. The leucine at codon 146 is replaced by arginine, an amino acid with dissimilar properties. This amino acid position is conserved. In addition, this alteration is predicted to be tolerated by in silico analysis. Based on the available evidence, the clinical significance of this variant remains unclear.

NM_004364.5(CEBPA):c.437T>G (p.Leu146Arg)

Gene: CEBPA (CCAAT enhancer binding protein alpha; minus strand). Cytogenetic location: 19q13.11.
Variant type: single nucleotide variant.
Coding change: c.437T>G on transcript NM_004364.5 (MANE Select); coding-DNA position 437, T replaced by G.
Protein change: p.Leu146Arg; replaces leucine 146 with arginine.
Molecular consequence: missense variant.
Genome position (GRCh38, 1-based): chr19:33,301,978, A>C on the plus strand (T>G on the coding strand, the complement: CEBPA is on the minus strand). VCF-style: chr19-33301978-A-C. GRCh37 (hg19) VCF-style: chr19-33792884-A-C.
Other names: c.80T>G, p.Leu27Arg (NM_001285829.2); c.542T>G, p.Leu181Arg (NM_001287424.2); c.395T>G, p.Leu132Arg (NM_001287435.2); short protein forms L181R, L132R, L27R, L146R.
Identifiers: ClinVar variation 4225039 (VCV004225039.1).